The following is an entry in ClinVar:

NM_005765.3(ATP6AP2):c.1023G>T (p.Arg341Ser)

Gene: ATP6AP2 (ATPase H+ transporting accessory protein 2; plus strand). Cytogenetic location: Xp11.4.
Variant type: single nucleotide variant.
Coding change: c.1023G>T on transcript NM_005765.3 (MANE Select); coding-DNA position 1023, G replaced by T.
Protein change: p.Arg341Ser; replaces arginine 341 with serine.
Molecular consequence: missense variant.
Genome position (GRCh38, 1-based): chrX:40,605,725, G>T. VCF-style: chrX-40605725-G-T. GRCh37 (hg19) VCF-style: chrX-40464977-G-T.
Other names: short protein forms R341S.
Identifiers: ClinVar variation 3650893 (VCV003650893.2).

ClinVar aggregate classification (germline): Uncertain significance (1 of 4 stars; one submission).

Conditions:
Intellectual developmental disorder, X-linked, syndromic, Hedera type. Also called: Syndromic X-linked intellectual disability Hedera type. Identifiers: Orphanet 93952, MedGen C1845543, MONDO:0010319, OMIM 300423.

Submission:

Labcorp Genetics (formerly Invitae), Labcorp
Classification: Uncertain significance for Intellectual developmental disorder, X-linked, syndromic, Hedera type. Last evaluated: 2024-04-25. Review status: criteria provided, single submitter. Criteria: Invitae Variant Classification Sherloc (09022015). Collection method: clinical testing. Allele origin: germline.
Comment: This sequence change replaces arginine, which is basic and polar, with serine, which is neutral and polar, at codon 341 of the ATP6AP2 protein (p.Arg341Ser). This variant is not present in population databases (gnomAD no frequency). This variant has not been reported in the literature in individuals affected with ATP6AP2-related conditions. An algorithm developed to predict the effect of missense changes on protein structure and function (PolyPhen-2) suggests that this variant is likely to be disruptive. In summary, the available evidence is currently insufficient to determine the role of this variant in disease. Therefore, it has been classified as a Variant of Uncertain Significance.